The following is an entry in ClinVar:

NM_007294.4(BRCA1):c.160C>A (p.Gln54Lys)

Gene: BRCA1 (BRCA1 DNA repair associated; minus strand). Cytogenetic location: 17q21.31.
Variant type: single nucleotide variant.
Coding change: c.160C>A on transcript NM_007294.4 (MANE Select); coding-DNA position 160, C replaced by A.
Protein change: p.Gln54Lys; replaces glutamine 54 with lysine.
Molecular consequence: missense variant. On other transcripts: non-coding transcript variant (1).
Genome position (GRCh38, 1-based): chr17:43,106,508, G>T on the plus strand (C>A on the coding strand, the complement: BRCA1 is on the minus strand). VCF-style: chr17-43106508-G-T. GRCh37 (hg19) VCF-style: chr17-41258525-G-T.
Other names: 279C>A; c.160C>A, p.Gln54Lys (NM_001407940.1, NM_001407941.1, NM_001407594.1 and 168 more transcripts); c.19C>A, p.Gln7Lys (NM_001407942.1, NM_001407943.1, NM_001407944.1 and 99 more transcripts); c.-29C>A (NM_001407946.1, NM_001407947.1, NM_001407948.1 and 58 more transcripts); short protein forms Q54K, Q7K.
Identifiers: ClinVar variation 91559 (VCV000091559.13), dbSNP rs80356864, ClinGen allele CA001068.

ClinVar aggregate classification (germline): Uncertain significance. Review status: criteria provided, single submitter (1 of 4 stars). 2 submissions from 2 submitters: Uncertain significance (1). 1 of the submissions does not count toward it. Last evaluated 2018-05-31.

Conditions:
Breast-ovarian cancer, familial, susceptibility to, 1 (BROVCA1). Also called: BRCA1 Hereditary Breast and Ovarian Cancer; OVARIAN CANCER, SUSCEPTIBILITY TO. Identifiers: Orphanet 145, MedGen C2676676, MONDO:0011450, OMIM 604370. Disease mechanism: loss of function.
Hereditary breast ovarian cancer syndrome. Also called: BRCA1- and BRCA2-Associated Hereditary Breast and Ovarian Cancer; Hereditary breast and ovarian cancer syndrome; Hereditary breast and ovarian cancer syndrome (HBOC); Breast and ovarian cancer; Hereditary breast and/or ovarian cancer syndrome; Hereditary breast and ovarian cancer. Identifiers: Orphanet 145, MedGen C0677776, MeSH D061325, MONDO:0003582. Disease mechanism: loss of function.

Allele frequency attached by ClinVar (database versions not stated): gnomAD exomes below 0.00001.
gnomAD v4.1: 1 of 1,602,592 alleles (0.000062%); highest among the groups gnomAD compares: Non-Finnish European, 0.000085%; no homozygotes.

Submissions (3):

Labcorp Genetics (formerly Invitae), Labcorp
Classification: Uncertain significance for Hereditary breast ovarian cancer syndrome. Last evaluated: 2018-05-31. Review status: criteria provided, single submitter. Criteria: Invitae Variant Classification Sherloc (09022015). Collection method: clinical testing. Allele origin: germline.
Comment: This variant has not been reported in the literature in individuals with BRCA1-related disease. ClinVar contains an entry for this variant (Variation ID: 91559). In summary, the available evidence is currently insufficient to determine the role of this variant in disease. Therefore, it has been classified as a Variant of Uncertain Significance. Algorithms developed to predict the effect of missense changes on protein structure and function output the following: SIFT: "Tolerated"; PolyPhen-2: "Possibly Damaging"; Align-GVGD: "Class C0". The lysine amino acid residue is found in multiple mammalian species, suggesting that this missense change does not adversely affect protein function. These predictions have not been confirmed by published functional studies and their clinical significance is uncertain. This variant is not present in population databases (ExAC no frequency). This sequence change replaces glutamine with lysine at codon 54 of the BRCA1 protein (p.Gln54Lys). The glutamine residue is moderately conserved and there is a small physicochemical difference between glutamine and lysine.

Sharing Clinical Reports Project (SCRP)
Classification: Uncertain significance for Breast-ovarian cancer, familial 1. Last evaluated: 2012-01-05. Review status: no assertion criteria provided. Collection method: clinical testing. Allele origin: germline. Not counted in ClinVar's aggregate classification.

Brotman Baty Institute, University of Washington
No classification provided (evidence only). Condition: Breast-ovarian cancer, familial 1. Review status: no classification provided. Collection method: in vitro. Allele origin: not applicable. Functional consequence: functionally_normal. Not counted in ClinVar's aggregate classification.
ClinVar note: "not provided" was previously submitted as the classification for the variant. However, the classification appeared to be based only on an observation of functional data so it was converted to no classification on 2025-07-30.